The following is an entry in ClinVar:

ClinVar aggregate classification (germline): Likely benign. Review status: criteria provided, multiple submitters, no conflicts (2 of 4 stars). 6 submissions from 6 submitters: Likely benign (6). Last evaluated 2026-03-20.

Conditions:
JAG1-related disorder. Also called: JAG1-related condition; JAG1-related disorders.
Alagille syndrome due to a JAG1 point mutation. Also called: JAG1-Related Alagille Syndrome; Alagille Syndrome 1; HEPATIC DUCTULAR HYPOPLASIA, SYNDROMATIC. Identifiers: Orphanet 261619, Orphanet 52, MedGen C1956125, MONDO:0016862, OMIM 118450.
Deafness, congenital heart defects, and posterior embryotoxon (DCHE). Identifiers: MedGen C1866053, MONDO:0060713, OMIM 617992.
Charcot-Marie-Tooth disease, axonal, Type 2HH. Also called: CHARCOT-MARIE-TOOTH NEUROPATHY, TYPE 2HH. Identifiers: MedGen C5562003, MONDO:0030458, OMIM 619574.
Tetralogy of Fallot (TOF). Identifiers: Orphanet 3303, MedGen C0039685, MONDO:0008542, OMIM 187500, HP:0001636.
Cardiovascular phenotype. Identifiers: MedGen CN230736.

Allele frequency attached by ClinVar (database versions not stated): ExAC 0.00001; gnomAD exomes 0.00001; gnomAD 0.00002.
gnomAD v4.1: 17 of 1,614,094 alleles (0.0011%); highest among the groups gnomAD compares: Middle Eastern, 0.033%; no homozygotes.

Submissions (6):

Women's Health and Genetics/Laboratory Corporation of America, LabCorp
Classification: Likely benign. Last evaluated: 2026-03-20. Review status: criteria provided, single submitter. Criteria: LabCorp Variant Classification Summary - May 2015. Collection method: clinical testing. Allele origin: germline.

Labcorp Genetics (formerly Invitae), Labcorp
Classification: Likely benign for Alagille syndrome due to a JAG1 point mutation. Last evaluated: 2025-12-08. Review status: criteria provided, single submitter. Criteria: Invitae Variant Classification Sherloc (09022015). Collection method: clinical testing. Allele origin: germline.

PreventionGenetics, part of Exact Sciences
Classification: Likely benign for JAG1-related condition. Last evaluated: 2025-01-16. Review status: criteria provided, single submitter. Criteria: ACMG Guidelines, 2015. Collection method: clinical testing. Allele origin: germline.
Comment: This variant is classified as likely benign based on ACMG/AMP sequence variant interpretation guidelines (Richards et al. 2015 PMID: 25741868, with internal and published modifications).

Fulgent Genetics
Classification: Likely benign for Alagille syndrome due to a JAG1 point mutation; Tetralogy of Fallot; Deafness, congenital heart defects, and posterior embryotoxon; Charcot-Marie-Tooth disease, axonal, Type 2HH. Last evaluated: 2024-04-03. Review status: criteria provided, single submitter. Criteria: ACMG Guidelines, 2015. Collection method: clinical testing. Allele origin: germline.

Ambry Genetics
Classification: Likely benign for Cardiovascular phenotype. Last evaluated: 2024-01-27. Review status: criteria provided, single submitter. Criteria: Ambry Variant Classification Scheme 2023. Collection method: clinical testing. Allele origin: germline.

Blueprint Genetics
Classification: Likely benign. Last evaluated: 2020-05-22. Review status: criteria provided, single submitter. Criteria: ACMG Guidelines, 2015. Collection method: clinical testing. Allele origin: germline.

NM_000214.3(JAG1):c.2853C>T (p.Asp951=)

Gene: JAG1 (jagged canonical Notch ligand 1; minus strand). Cytogenetic location: 20p12.2.
Variant type: single nucleotide variant.
Coding change: c.2853C>T on transcript NM_000214.3 (MANE Select); coding-DNA position 2853, C replaced by T.
Protein change: p.Asp951=; no amino-acid change (aspartic acid 951 retained).
Molecular consequence: synonymous variant.
Genome position (GRCh38, 1-based): chr20:10,641,523, G>A on the plus strand (C>T on the coding strand, the complement: JAG1 is on the minus strand). VCF-style: chr20-10641523-G-A. GRCh37 (hg19) VCF-style: chr20-10622171-G-A.
Other names: c.2853C>T (NM_000214.2).
Identifiers: ClinVar variation 1572412 (VCV001572412.13), dbSNP rs770380587, ClinGen allele CA9764379.